The following is an entry in ClinVar:

NM_177438.3(DICER1):c.3072G>A (p.Trp1024Ter)

Gene: DICER1 (dicer 1, ribonuclease III; minus strand). Cytogenetic location: 14q32.13.
Variant type: single nucleotide variant.
Coding change: c.3072G>A on transcript NM_177438.3 (MANE Select); coding-DNA position 3072, G replaced by A.
Protein change: p.Trp1024Ter; replaces tryptophan 1024 with a stop codon.
Molecular consequence: nonsense. On other transcripts: non-coding transcript variant (6).
Genome position (GRCh38, 1-based): chr14:95,105,699, C>T on the plus strand (G>A on the coding strand, the complement: DICER1 is on the minus strand). VCF-style: chr14-95105699-C-T. GRCh37 (hg19) VCF-style: chr14-95572036-C-T.
Other names: c.3072G>A, p.Trp1024Ter (NM_001195573.1, NM_001271282.3, NM_001291628.2 and 12 more transcripts); c.2667G>A, p.Trp889Ter (NM_001395696.1, NM_001395687.1, NM_001395688.1 and 2 more transcripts); c.1389G>A, p.Trp463Ter (NM_001395697.1); c.2790G>A, p.Trp930Ter (NM_001395686.1); c.2505G>A, p.Trp835Ter (NM_001395691.1); short protein forms W1024*, W835*, W930*, W463*, W889*.
Identifiers: ClinVar variation 4720829 (VCV004720829.1).

ClinVar aggregate classification (germline): Pathogenic (1 of 4 stars; one submission).

Conditions:
DICER1-related tumor predisposition. Also called: DICER1 syndrome; DICER1-related pleuropulmonary blastoma cancer predisposition syndrome. Identifiers: Orphanet 284343, MedGen C3839822, MONDO:0100216.

Submission:

Labcorp Genetics (formerly Invitae), Labcorp
Classification: Pathogenic for DICER1-related tumor predisposition. Last evaluated: 2025-06-05. Review status: criteria provided, single submitter. Criteria: Invitae Variant Classification Sherloc (09022015). Collection method: clinical testing. Allele origin: germline.
Comment: This sequence change creates a premature translational stop signal (p.Trp1024*) in the DICER1 gene. It is expected to result in an absent or disrupted protein product. Loss-of-function variants in DICER1 are known to be pathogenic (PMID: 19556464, 21266384). This variant is not present in population databases (gnomAD no frequency). This variant has not been reported in the literature in individuals affected with DICER1-related conditions. For these reasons, this variant has been classified as Pathogenic.

Literature cited by the submitters: PubMed 19556464; PubMed 21266384.